The following is an entry in ClinVar:

ClinVar aggregate classification (germline): Conflicting classifications of pathogenicity. Review status: criteria provided, conflicting classifications (1 of 4 stars). 4 submissions from 4 submitters: Uncertain significance (2); Benign (1); Likely benign (1). Last evaluated 2026-02-07.

Conditions:
Orthostatic hypotension 1 (ORTHYP1). Also called: Orthostatic hypotension 1, due to DBH deficiency; Dopamine beta-hydroxylase deficiency; NORADRENALINE DEFICIENCY; NOREPINEPHRINE DEFICIENCY. Identifiers: Orphanet 230, MedGen C4746777, MONDO:0009123, OMIM 223360.

Allele frequency attached by ClinVar (database versions not stated): 1000 Genomes Project 0.00040; 1000 Genomes Project 30x 0.00047; gnomAD 0.00074 and 0.00096; ESP Exome Variant Server 0.00077; TOPMed 0.00098.
gnomAD v4.1: 1,728 of 1,613,746 alleles (0.11%); highest among the groups gnomAD compares: Non-Finnish European, 0.14%; 2 homozygotes.

Submissions (4):

GeneDx
Classification: Uncertain significance. Last evaluated: 2026-02-07. Review status: criteria provided, single submitter. Criteria: GeneDx Variant Classification Process June 2021. Collection method: clinical testing. Allele origin: germline.
Comment: In silico analysis suggests that this missense variant does not alter protein structure/function; Has not been previously published as pathogenic or benign to our knowledge

Labcorp Genetics (formerly Invitae), Labcorp
Classification: Uncertain significance for Orthostatic hypotension 1. Last evaluated: 2025-01-16. Review status: criteria provided, single submitter. Criteria: Invitae Variant Classification Sherloc (09022015). Collection method: clinical testing. Allele origin: germline.
Comment: This sequence change replaces glutamic acid, which is acidic and polar, with valine, which is neutral and non-polar, at codon 591 of the DBH protein (p.Glu591Val). This variant is present in population databases (rs75512464, gnomAD 0.1%), and has an allele count higher than expected for a pathogenic variant. This variant has not been reported in the literature in individuals affected with DBH-related conditions. ClinVar contains an entry for this variant (Variation ID: 859268). An algorithm developed to predict the effect of missense changes on protein structure and function (PolyPhen-2) suggests that this variant¬†is likely to be tolerated. In summary, the available evidence is currently insufficient to determine the role of this variant in disease. Therefore, it has been classified as a Variant of Uncertain Significance.

CeGaT Center for Human Genetics Tuebingen
Classification: Likely benign. Last evaluated: 2023-04-01. Review status: criteria provided, single submitter. Criteria: CeGaT Center For Human Genetics Tuebingen Variant Classification Criteria Version 2. Collection method: clinical testing. Allele origin: germline. Affected: yes. Observed: 1 variant allele.
Comment: DBH: BP4

Illumina Laboratory Services, Illumina
Classification: Benign for Orthostatic hypotension 1. Last evaluated: 2017-04-27. Review status: criteria provided, single submitter. Criteria: ICSL Variant Classification Criteria 13 December 2019. Collection method: clinical testing. Allele origin: germline.
Comment: This variant was observed as part of a predisposition screen in an ostensibly healthy population. A literature search was performed for the gene, cDNA change, and amino acid change (where applicable). No publications were found based on this search. Allele frequency data from public databases was too high to be consistent with this variant causing disease. Therefore, this variant is classified as benign.

NM_000787.4(DBH):c.1772A>T (p.Glu591Val)

Gene: DBH (dopamine beta-hydroxylase; plus strand). Cytogenetic location: 9q34.2.
Variant type: single nucleotide variant.
Coding change: c.1772A>T on transcript NM_000787.4 (MANE Select); coding-DNA position 1772, A replaced by T.
Protein change: p.Glu591Val; replaces glutamic acid 591 with valine.
Molecular consequence: missense variant.
Genome position (GRCh38, 1-based): chr9:133,658,365, A>T. VCF-style: chr9-133658365-A-T. GRCh37 (hg19) VCF-style: chr9-136523487-A-T.
Other names: short protein forms E591V.
Identifiers: ClinVar variation 859268 (VCV000859268.34), dbSNP rs75512464, ClinGen allele CA5313707.